The following is an entry in ClinVar:

ClinVar aggregate classification (germline): Uncertain significance (1 of 4 stars; one submission).

Conditions:
Thrombocytopenia 2 (THC2). Also called: ANKRD26-Related Thrombocytopenia. Identifiers: Orphanet 268322, MedGen C1861185, MONDO:0008555, OMIM 188000.

Allele frequency attached by ClinVar (database versions not stated): gnomAD exomes below 0.00001; gnomAD 0.00001; TOPMed 0.00001.
gnomAD v4.1: 2 of 1,611,946 alleles (0.00012%); highest among the groups gnomAD compares: African/African-American, 0.0013%; no homozygotes.

Submission:

Baylor Genetics
Classification: Uncertain significance for Thrombocytopenia 2. Last evaluated: 2019-04-03. Review status: criteria provided, single submitter. Criteria: ACMG Guidelines, 2015. Collection method: clinical testing. Allele origin: paternal. Affected: yes.
Comment: This variant was determined to be of uncertain significance according to ACMG Guidelines, 2015 [PMID:25741868].

NM_014915.3(ANKRD26):c.244A>G (p.Thr82Ala)

Gene: ANKRD26 (ankyrin repeat domain 26; minus strand). Cytogenetic location: 10p12.1.
Variant type: single nucleotide variant.
Coding change: c.244A>G on transcript NM_014915.3 (MANE Select); coding-DNA position 244, A replaced by G.
Protein change: p.Thr82Ala; replaces threonine 82 with alanine.
Molecular consequence: missense variant.
Genome position (GRCh38, 1-based): chr10:27,093,798, T>C on the plus strand (A>G on the coding strand, the complement: ANKRD26 is on the minus strand). VCF-style: chr10-27093798-T-C. GRCh37 (hg19) VCF-style: chr10-27382727-T-C.
Other names: c.244A>G, p.Thr82Ala (NM_001256053.2); short protein forms T82A.
Identifiers: ClinVar variation 1030442 (VCV001030442.1), dbSNP rs2056378213, ClinGen allele CA376368674.